The following is an entry in ClinVar:

ClinVar aggregate classification (germline): Uncertain significance (1 of 4 stars; one submission).

Submission:

GeneDx
Classification: Uncertain significance. Last evaluated: 2024-05-23. Review status: criteria provided, single submitter. Criteria: GeneDx Variant Classification Process June 2021. Collection method: clinical testing. Allele origin: germline. Affected: yes.
Comment: Not observed at significant frequency in large population cohorts (gnomAD); In silico analysis supports that this missense variant has a deleterious effect on protein structure/function; Has not been previously published as pathogenic or benign to our knowledge

NM_002693.3(POLG):c.3194C>G (p.Ala1065Gly)

Gene: POLG (DNA polymerase gamma, catalytic subunit; minus strand). Cytogenetic location: 15q26.1.
Variant type: single nucleotide variant.
Coding change: c.3194C>G on transcript NM_002693.3 (MANE Select); coding-DNA position 3194, C replaced by G.
Protein change: p.Ala1065Gly; replaces alanine 1065 with glycine.
Molecular consequence: missense variant.
Genome position (GRCh38, 1-based): chr15:89,319,010, G>C on the plus strand (C>G on the coding strand, the complement: POLG is on the minus strand). VCF-style: chr15-89319010-G-C. GRCh37 (hg19) VCF-style: chr15-89862241-G-C.
Other names: c.3194C>G, p.Ala1065Gly (NM_001126131.2); short protein forms A1065G.
Identifiers: ClinVar variation 3384428 (VCV003384428.1).